The following is an entry in ClinVar:

NM_003265.3(TLR3):c.1430C>T (p.Ala477Val)

Gene: TLR3 (toll like receptor 3; plus strand). Cytogenetic location: 4q35.1.
Variant type: single nucleotide variant.
Coding change: c.1430C>T on transcript NM_003265.3 (MANE Select); coding-DNA position 1430, C replaced by T.
Protein change: p.Ala477Val; replaces alanine 477 with valine.
Molecular consequence: missense variant.
Genome position (GRCh38, 1-based): chr4:186,083,116, C>T. VCF-style: chr4-186083116-C-T. GRCh37 (hg19) VCF-style: chr4-187004270-C-T.
Other names: short protein forms A477V.
Identifiers: ClinVar variation 646571 (VCV000646571.9), dbSNP rs1579731513, ClinGen allele CA358932192.
Genomic context (GRCh38, chr4:186,083,116, plus strand): 5'-ATATTTTCGAAATCTATCTTTCCTACAACAAGTACCTGCAGCTGACTAGGAACTCCTTTG[C>T]CTTGGTCCCAAGCCTTCAACGACTGATGCTCCGAAGGGTGGCCCTTAAAAATGTGGATAG-3'
Protein context (NP_003256.1, residues 467-487): KYLQLTRNSF[Ala477Val]LVPSLQRLML

ClinVar aggregate classification (germline): Uncertain significance (1 of 4 stars; one submission).

Conditions:
Encephalopathy, acute, infection-induced (herpes-specific), susceptibility to, 1. Also called: Herpes simplex encephalitis, susceptibility to, 1. Identifiers: Orphanet 1930, MedGen C2750180, MONDO:0024563, OMIM 610551.

Allele frequency attached by ClinVar (database versions not stated): gnomAD exomes below 0.00001.
gnomAD v4.1: 1 of 1,614,180 alleles (0.000062%); highest among the groups gnomAD compares: Non-Finnish European, 0.000085%; no homozygotes.

Submission:

Labcorp Genetics (formerly Invitae), Labcorp
Classification: Uncertain significance for Encephalopathy, acute, infection-induced (herpes-specific), susceptibility to, 1. Last evaluated: 2018-11-21. Review status: criteria provided, single submitter. Criteria: Invitae Variant Classification Sherloc (09022015). Collection method: clinical testing. Allele origin: germline.
Comment: In summary, the available evidence is currently insufficient to determine the role of this variant in disease. Therefore, it has been classified as a Variant of Uncertain Significance. This sequence change replaces alanine with valine at codon 477 of the TLR3 protein (p.Ala477Val). The alanine residue is weakly conserved and there is a small physicochemical difference between alanine and valine. This variant is not present in population databases (ExAC no frequency). This variant has not been reported in the literature in individuals with TLR3-related disease. Algorithms developed to predict the effect of missense changes on protein structure and function output the following: SIFT: "Tolerated"; PolyPhen-2: "Benign"; Align-GVGD: "Class C0". The valine amino acid residue is found in multiple mammalian species, suggesting that this missense change does not adversely affect protein function. These predictions have not been confirmed by published functional studies and their clinical significance is uncertain.